The following is an entry in ClinVar:

ClinVar aggregate classification (germline): Likely benign (1 of 4 stars; one submission).

Allele frequency attached by ClinVar (database versions not stated): ExAC 0.02553.

Submission:

CeGaT Center for Human Genetics Tuebingen
Classification: Likely benign. Last evaluated: 2025-09-01. Review status: criteria provided, single submitter. Criteria: CeGaT Center For Human Genetics Tuebingen Variant Classification Criteria Version 2. Collection method: clinical testing. Allele origin: germline. Affected: yes. Observed: 5 variant alleles.
Comment: MUC5B: BP4, BS1

NM_002458.3(MUC5B):c.8072C>T (p.Thr2691Ile)

Genes: MUC5B (mucin 5B, oligomeric mucus/gel-forming; plus strand), MUC5B-AS1 (MUC5B antisense RNA 1; minus strand). Cytogenetic location: 11p15.5.
Variant type: single nucleotide variant.
Coding change: c.8072C>T on transcript NM_002458.3 (MANE Select); coding-DNA position 8072, C replaced by T.
Protein change: p.Thr2691Ile; replaces threonine 2691 with isoleucine.
Molecular consequence: missense variant.
Genome position (GRCh38, 1-based): chr11:1,244,952, C>T. VCF-style: chr11-1244952-C-T. GRCh37 (hg19) VCF-style: chr11-1266182-C-T.
Other names: short protein forms T2691I.
Identifiers: ClinVar variation 3025255 (VCV003025255.22), dbSNP rs778357358, ClinGen allele CA5806538.
Genomic context (GRCh38, chr11:1,244,952, plus strand): 5'-CTGGTTCTATGGCAACACCCTCCTCTAGCACACAGACCAGTGGTACTCCCCCATCACTGA[C>T]CACCACGGCCACTACGATCACGGCCACCGGCTCCACCACCAACCCCTCCTCAACTCCAGG-3'
Protein context (NP_002449.2, residues 2681-2701): TQTSGTPPSL[Thr2691Ile]TTATTITATG